The following is an entry in ClinVar:

ClinVar aggregate classification (germline): Benign (1 of 4 stars; one submission).

Conditions:
Familial cancer of breast. Also called: Hereditary breast cancer; BREAST CANCER, FAMILIAL; hereditary breast carcinoma. Identifiers: Orphanet 227535, MedGen C0346153, MONDO:0016419, OMIM 114480. Disease mechanism: loss of function.

Submission:

Myriad Genetics, Inc.
Classification: Benign for Familial cancer of breast. Last evaluated: 2024-10-01. Review status: criteria provided, single submitter. Criteria: Myriad Autosomal Dominant, Autosomal Recessive and X-Linked Classification Criteria (2023). Collection method: clinical testing. Allele origin: unknown.
Comment: This variant is considered benign. This variant is a silent/synonymous amino acid change and it is not expected to impact splicing.

NM_007194.4(CHEK2):c.57A>C (p.Ser19=)

Gene: CHEK2 (checkpoint kinase 2; minus strand). Cytogenetic location: 22q12.1.
Variant type: single nucleotide variant.
Coding change: c.57A>C on transcript NM_007194.4 (MANE Select); coding-DNA position 57, A replaced by C.
Protein change: p.Ser19=; no amino-acid change (serine 19 retained).
Molecular consequence: synonymous variant.
Genome position (GRCh38, 1-based): chr22:28,734,665, T>G on the plus strand (A>C on the coding strand, the complement: CHEK2 is on the minus strand). VCF-style: chr22-28734665-T-G. GRCh37 (hg19) VCF-style: chr22-29130653-T-G.
Other names: c.57A>C, p.Ser19= (NM_001005735.3, NM_001349956.3, NM_145862.3); c.-721A>C (NM_001257387.3).
Identifiers: ClinVar variation 3772935 (VCV003772935.1).